The following is an entry in ClinVar:

NM_144666.3(DNHD1):c.8643G>T (p.Arg2881Ser)

Gene: DNHD1 (dynein heavy chain domain 1; plus strand). Cytogenetic location: 11p15.4.
Variant type: single nucleotide variant.
Coding change: c.8643G>T on transcript NM_144666.3 (MANE Select); coding-DNA position 8643, G replaced by T.
Protein change: p.Arg2881Ser; replaces arginine 2881 with serine.
Molecular consequence: missense variant.
Genome position (GRCh38, 1-based): chr11:6,557,938, G>T. VCF-style: chr11-6557938-G-T. GRCh37 (hg19) VCF-style: chr11-6579168-G-T.
Other names: short protein forms R2881S.
Identifiers: ClinVar variation 3342766 (VCV003342766.1).

ClinVar aggregate classification (germline): Uncertain significance (1 of 4 stars; one submission).

Submission:

GeneDx
Classification: Uncertain significance. Last evaluated: 2022-12-19. Review status: criteria provided, single submitter. Criteria: GeneDx Variant Classification Process June 2021. Collection method: clinical testing. Allele origin: germline. Affected: yes.
Comment: Not observed at significant frequency in large population cohorts (gnomAD); In silico analysis supports that this missense variant does not alter protein structure/function; Has not been previously published as pathogenic or benign to our knowledge; Variants in candidate genes are classified as variants of uncertain significance in accordance with ACMG guidelines (Richards et al., 2015)